The following is an entry in ClinVar:

ClinVar aggregate classification (germline): Likely benign (1 of 4 stars; one submission).

Conditions:
POGZ-related disorder. Also called: POGZ-related condition.

gnomAD v4.1: 52 of 1,614,112 alleles (0.0032%); highest among the groups gnomAD compares: South Asian, 0.054%; no homozygotes.

Submission:

PreventionGenetics, part of Exact Sciences
Classification: Likely benign for POGZ-related condition. Last evaluated: 2025-06-09. Review status: criteria provided, single submitter. Criteria: ACMG Guidelines, 2015. Collection method: clinical testing. Allele origin: germline.
Comment: This variant is classified as likely benign based on ACMG/AMP sequence variant interpretation guidelines (Richards et al. 2015 PMID: 25741868, with internal and published modifications).

NM_015100.4(POGZ):c.3981T>C (p.Ser1327=)

Gene: POGZ (pogo transposable element derived with ZNF domain; minus strand). Cytogenetic location: 1q21.3.
Variant type: single nucleotide variant.
Coding change: c.3981T>C on transcript NM_015100.4 (MANE Select); coding-DNA position 3981, T replaced by C.
Protein change: p.Ser1327=; no amino-acid change (serine 1327 retained).
Molecular consequence: synonymous variant.
Genome position (GRCh38, 1-based): chr1:151,405,054, A>G on the plus strand (T>C on the coding strand, the complement: POGZ is on the minus strand). VCF-style: chr1-151405054-A-G. GRCh37 (hg19) VCF-style: chr1-151377530-A-G.
Other names: c.3954T>C, p.Ser1318= (NM_001194937.2); c.3795T>C, p.Ser1265= (NM_001194938.2); c.4002T>C, p.Ser1334= (NM_001410860.1); c.3696T>C, p.Ser1232= (NM_145796.4); c.3822T>C, p.Ser1274= (NM_207171.2).
Identifiers: ClinVar variation 4988745 (VCV004988745.1).